The following is an entry in ClinVar:

NM_001164508.2(NEB):c.21630+6T>G

Genes: NEB (nebulin; minus strand), RIF1 (replication timing regulatory factor 1; plus strand). Cytogenetic location: 2q23.3.
Variant type: single nucleotide variant.
Coding change: c.21630+6T>G on transcript NM_001164508.2 (MANE Select); 6 bases into the intron after coding-DNA position 21630, T replaced by G.
Molecular consequence: intron variant.
Genome position (GRCh38, 1-based): chr2:151,530,988, A>C on the plus strand (T>G on the coding strand, the complement: NEB is on the minus strand). VCF-style: chr2-151530988-A-C. GRCh37 (hg19) VCF-style: chr2-152387502-A-C.
Other names: c.21630+6T>G (NM_001164507.2); c.21735+6T>G (NM_001271208.2); c.16527+6T>G (NM_004543.5).
Identifiers: ClinVar variation 1405995 (VCV001405995.3), dbSNP rs1401750275, ClinGen allele CA536638099.

ClinVar aggregate classification (germline): Uncertain significance (1 of 4 stars; one submission).

Conditions:
Nemaline myopathy 2 (NEM2). Also called: Nemaline myopathy 2, autosomal recessive. Identifiers: MedGen C1850569, MONDO:0009725, OMIM 256030.

Allele frequency attached by ClinVar (database versions not stated): gnomAD 0.00001; gnomAD exomes 0.00002; TOPMed 0.00002.
gnomAD v4.1: 5 of 1,593,850 alleles (0.00031%); highest among the groups gnomAD compares: Admixed American, 0.0084%; no homozygotes.

Submission:

Labcorp Genetics (formerly Invitae), Labcorp
Classification: Uncertain significance for Nemaline myopathy 2. Last evaluated: 2021-04-16. Review status: criteria provided, single submitter. Criteria: Invitae Variant Classification Sherloc (09022015). Collection method: clinical testing. Allele origin: germline.
Comment: This sequence change falls in intron 146 of the NEB gene. It does not directly change the encoded amino acid sequence of the NEB protein. It affects a nucleotide within the consensus splice site of the intron. This variant is not present in population databases (ExAC no frequency). This variant has not been reported in the literature in individuals with NEB-related conditions. Nucleotide substitutions within the consensus splice site are a relatively common cause of aberrant splicing (PMID: 17576681, 9536098). Algorithms developed to predict the effect of sequence changes on RNA splicing suggest that this variant may disrupt the consensus splice site, but this prediction has not been confirmed by published transcriptional studies. In summary, the available evidence is currently insufficient to determine the role of this variant in disease. Therefore, it has been classified as a Variant of Uncertain Significance.

Literature cited by the submitters: PubMed 17576681; PubMed 9536098.